The following is an entry in ClinVar:

ClinVar aggregate classification (germline): Uncertain significance (1 of 4 stars; one submission).

Conditions:
Deficiency of isobutyryl-CoA dehydrogenase. Also called: ACYL-CoA DEHYDROGENASE FAMILY, MEMBER 8, DEFICIENCY OF; IBD DEFICIENCY; ACAD8 DEFICIENCY. Identifiers: Orphanet 79159, MedGen C1969809, MONDO:0012648, OMIM 611283.

Allele frequency attached by ClinVar (database versions not stated): gnomAD exomes 0.00001.
gnomAD v4.1: 9 of 1,614,170 alleles (0.00056%); highest among the groups gnomAD compares: Non-Finnish European, 0.00076%; no homozygotes.

Submission:

Labcorp Genetics (formerly Invitae), Labcorp
Classification: Uncertain significance for Deficiency of isobutyryl-CoA dehydrogenase. Last evaluated: 2020-12-31. Review status: criteria provided, single submitter. Criteria: Invitae Variant Classification Sherloc (09022015). Collection method: clinical testing. Allele origin: germline.
Comment: In summary, the available evidence is currently insufficient to determine the role of this variant in disease. Therefore, it has been classified as a Variant of Uncertain Significance. Advanced modeling of protein sequence and biophysical properties (such as structural, functional, and spatial information, amino acid conservation, physicochemical variation, residue mobility, and thermodynamic stability) performed at Invitae indicates that this missense variant is not expected to disrupt ACAD8 protein function. This variant has not been reported in the literature in individuals with ACAD8-related conditions. ClinVar contains an entry for this variant (Variation ID: 303673). This variant is not present in population databases (ExAC no frequency). This sequence change replaces glutamine with arginine at codon 92 of the ACAD8 protein (p.Gln92Arg). The glutamine residue is weakly conserved and there is a small physicochemical difference between glutamine and arginine.

NM_014384.3(ACAD8):c.275A>G (p.Gln92Arg)

Gene: ACAD8 (acyl-CoA dehydrogenase family member 8; plus strand). Cytogenetic location: 11q25.
Variant type: single nucleotide variant.
Coding change: c.275A>G on transcript NM_014384.3 (MANE Select); coding-DNA position 275, A replaced by G.
Protein change: p.Gln92Arg; replaces glutamine 92 with arginine.
Molecular consequence: missense variant.
Genome position (GRCh38, 1-based): chr11:134,257,152, A>G. VCF-style: chr11-134257152-A-G. GRCh37 (hg19) VCF-style: chr11-134127046-A-G.
Other names: short protein forms Q92R.
Identifiers: ClinVar variation 303673 (VCV000303673.13), dbSNP rs886048022, ClinGen allele CA10630427.